The following is an entry in ClinVar:

ClinVar aggregate classification (germline): Uncertain significance (1 of 4 stars; one submission).

Conditions:
Neuroblastoma, susceptibility to, 3. Also called: ALK-Related Neuroblastic Tumor Susceptibility. Identifiers: Orphanet 635, MedGen C2751681, MONDO:0013083, OMIM 613014.

Submission:

Labcorp Genetics (formerly Invitae), Labcorp
Classification: Uncertain significance for Neuroblastoma, susceptibility to, 3. Last evaluated: 2022-03-18. Review status: criteria provided, single submitter. Criteria: Invitae Variant Classification Sherloc (09022015). Collection method: clinical testing. Allele origin: germline.
Comment: This sequence change replaces proline, which is neutral and non-polar, with leucine, which is neutral and non-polar, at codon 968 of the ALK protein (p.Pro968Leu). This variant is not present in population databases (gnomAD no frequency). This variant has not been reported in the literature in individuals affected with ALK-related conditions. Algorithms developed to predict the effect of missense changes on protein structure and function (SIFT, PolyPhen-2, Align-GVGD) all suggest that this variant is likely to be disruptive. Algorithms developed to predict the effect of sequence changes on RNA splicing suggest that this variant may disrupt the consensus splice site. In summary, the available evidence is currently insufficient to determine the role of this variant in disease. Therefore, it has been classified as a Variant of Uncertain Significance.

NM_004304.5(ALK):c.2903C>T (p.Pro968Leu)

Gene: ALK (ALK receptor tyrosine kinase; minus strand). Cytogenetic location: 2p23.2.
Variant type: single nucleotide variant.
Coding change: c.2903C>T on transcript NM_004304.5 (MANE Select); coding-DNA position 2903, C replaced by T.
Protein change: p.Pro968Leu; replaces proline 968 with leucine.
Molecular consequence: missense variant.
Genome position (GRCh38, 1-based): chr2:29,227,585, G>A on the plus strand (C>T on the coding strand, the complement: ALK is on the minus strand). VCF-style: chr2-29227585-G-A. GRCh37 (hg19) VCF-style: chr2-29450451-G-A.
Other names: short protein forms P968L.
Identifiers: ClinVar variation 2113393 (VCV002113393.4), dbSNP rs2465973387, ClinGen allele CA346468310.